The following is an entry in ClinVar:

NM_001194998.2(CEP152):c.3867G>A (p.Lys1289=)

Gene: CEP152 (centrosomal protein 152; minus strand). Cytogenetic location: 15q21.1.
Variant type: single nucleotide variant.
Coding change: c.3867G>A on transcript NM_001194998.2 (MANE Select); coding-DNA position 3867, G replaced by A.
Protein change: p.Lys1289=; no amino-acid change (lysine 1289 retained).
Molecular consequence: synonymous variant.
Genome position (GRCh38, 1-based): chr15:48,742,069, C>T on the plus strand (G>A on the coding strand, the complement: CEP152 is on the minus strand). VCF-style: chr15-48742069-C-T. GRCh37 (hg19) VCF-style: chr15-49034266-C-T.
Other names: c.3699G>A, p.Lys1233= (NM_014985.4).
Identifiers: ClinVar variation 434727 (VCV000434727.36), dbSNP rs370253625, ClinGen allele CA7548242.

ClinVar aggregate classification (germline): Likely benign. Review status: criteria provided, multiple submitters, no conflicts (2 of 4 stars). 3 submissions from 3 submitters: Likely benign (3). Last evaluated 2025-09-08.

Allele frequency attached by ClinVar (database versions not stated): gnomAD 0.00006; ExAC 0.00008; TOPMed 0.00008; gnomAD exomes 0.00009 and 0.00010; 1000 Genomes Project 0.00020; 1000 Genomes Project 30x 0.00031.
gnomAD v4.1: 154 of 1,614,076 alleles (0.0095%); highest among the groups gnomAD compares: Admixed American, 0.012%; no homozygotes.

Submissions (3):

Labcorp Genetics (formerly Invitae), Labcorp
Classification: Likely benign. Last evaluated: 2025-09-08. Review status: criteria provided, single submitter. Criteria: Invitae Variant Classification Sherloc (09022015). Collection method: clinical testing. Allele origin: germline.

CeGaT Center for Human Genetics Tuebingen
Classification: Likely benign. Last evaluated: 2024-01-01. Review status: criteria provided, single submitter. Criteria: CeGaT Center For Human Genetics Tuebingen Variant Classification Criteria Version 2. Collection method: clinical testing. Allele origin: germline. Affected: yes. Observed: 2 variant alleles.
Comment: CEP152: BP4, BP7

Genetic Services Laboratory, University of Chicago
Classification: Likely benign. Last evaluated: 2017-01-13. Review status: criteria provided, single submitter. Criteria: ACMG Guidelines, 2015. Collection method: clinical testing. Allele origin: germline. Affected: no.